The following is an entry in ClinVar:

ClinVar aggregate classification (germline): Uncertain significance (1 of 4 stars; one submission).

Conditions:
Hereditary cancer-predisposing syndrome. Also called: Tumor predisposition; Hereditary neoplastic syndrome; Hereditary Cancer Syndrome; Neoplastic Syndromes, Hereditary. Identifiers: Orphanet 140162, MedGen C0027672, MeSH D009386, MONDO:0015356.

Submission:

Ambry Genetics
Classification: Uncertain significance for Hereditary cancer-predisposing syndrome. Last evaluated: 2025-03-26. Review status: criteria provided, single submitter. Criteria: Ambry Variant Classification Scheme 2023. Collection method: clinical testing. Allele origin: germline.
Comment: The p.R966Q variant (also known as c.2897G>A), located in coding exon 19 of the SMARCA4 gene, results from a G to A substitution at nucleotide position 2897. The arginine at codon 966 is replaced by glutamine, an amino acid with highly similar properties. This amino acid position is conserved. In addition, this alteration is predicted to be deleterious by in silico analysis. Based on the available evidence, the clinical significance of this variant remains unclear.

NM_003072.5(SMARCA4):c.2897G>A (p.Arg966Gln)

Gene: SMARCA4 (SWI/SNF related BAF chromatin remodeling complex subunit ATPase 4; plus strand). Cytogenetic location: 19p13.2.
Variant type: single nucleotide variant.
Coding change: c.2897G>A on transcript NM_003072.5 (MANE Select); coding-DNA position 2897, G replaced by A.
Protein change: p.Arg966Gln; replaces arginine 966 with glutamine.
Molecular consequence: missense variant. On other transcripts: non-coding transcript variant (1).
Genome position (GRCh38, 1-based): chr19:11,023,555, G>A. VCF-style: chr19-11023555-G-A. GRCh37 (hg19) VCF-style: chr19-11134231-G-A.
Other names: c.2897G>A, p.Arg966Gln (NM_001128844.3, NM_001128845.2, NM_001128846.2 and 6 more transcripts); short protein forms R966Q.
Identifiers: ClinVar variation 3958427 (VCV003958427.1).